The following is an entry in ClinVar:

NM_004380.3(CREBBP):c.2367T>G (p.Ala789=)

Gene: CREBBP (CREB binding lysine acetyltransferase; minus strand). Cytogenetic location: 16p13.3.
Variant type: single nucleotide variant.
Coding change: c.2367T>G on transcript NM_004380.3 (MANE Select); coding-DNA position 2367, T replaced by G.
Protein change: p.Ala789=; no amino-acid change (alanine 789 retained).
Molecular consequence: synonymous variant.
Genome position (GRCh38, 1-based): chr16:3,773,847, A>C on the plus strand (T>G on the coding strand, the complement: CREBBP is on the minus strand). VCF-style: chr16-3773847-A-C. GRCh37 (hg19) VCF-style: chr16-3823848-A-C.
Other names: c.2253T>G, p.Ala751= (NM_001079846.1).
Identifiers: ClinVar variation 3351600 (VCV003351600.1).

ClinVar aggregate classification (germline): Likely benign (0 of 4 stars; one submission).

Conditions:
CREBBP-related disorder. Also called: CREBBP-related condition; CREBBP-related disorders.

Submission:

PreventionGenetics, part of Exact Sciences
Classification: Likely benign for CREBBP-related condition. Last evaluated: 2023-08-14. Review status: no assertion criteria provided. Collection method: clinical testing. Allele origin: germline.
Comment: This variant is classified as likely benign based on ACMG/AMP sequence variant interpretation guidelines (Richards et al. 2015 PMID: 25741868, with internal and published modifications).